The following is an entry in ClinVar:

ClinVar aggregate classification (germline): Uncertain significance (1 of 4 stars; one submission).

Submission:

Labcorp Genetics (formerly Invitae), Labcorp
Classification: Uncertain significance. Last evaluated: 2025-11-18. Review status: criteria provided, single submitter. Criteria: Invitae Variant Classification Sherloc (09022015). Collection method: clinical testing. Allele origin: germline.
Comment: This sequence change replaces serine, which is neutral and polar, with phenylalanine, which is neutral and non-polar, at codon 266 of the ITM2B protein (p.Ser266Phe). This variant is not present in population databases (gnomAD no frequency). This variant has not been reported in the literature in individuals affected with ITM2B-related conditions. An algorithm developed to predict the effect of missense changes on protein structure and function (PolyPhen-2) suggests that this variant is likely to be tolerated. In summary, the available evidence is currently insufficient to determine the role of this variant in disease. Therefore, it has been classified as a Variant of Uncertain Significance.

NM_021999.5(ITM2B):c.797C>T (p.Ser266Phe)

Gene: ITM2B (integral membrane protein 2B; plus strand). Cytogenetic location: 13q14.2.
Variant type: single nucleotide variant.
Coding change: c.797C>T on transcript NM_021999.5 (MANE Select); coding-DNA position 797, C replaced by T.
Protein change: p.Ser266Phe; replaces serine 266 with phenylalanine.
Molecular consequence: missense variant.
Genome position (GRCh38, 1-based): chr13:48,261,220, C>T. VCF-style: chr13-48261220-C-T. GRCh37 (hg19) VCF-style: chr13-48835356-C-T.
Other names: short protein forms S266F.
Identifiers: ClinVar variation 4776619 (VCV004776619.1).